The following is an entry in ClinVar:

NM_000548.5(TSC2):c.3269C>A (p.Ser1090Tyr)

Gene: TSC2 (TSC complex subunit 2; plus strand). Cytogenetic location: 16p13.3.
Variant type: single nucleotide variant.
Coding change: c.3269C>A on transcript NM_000548.5 (MANE Select); coding-DNA position 3269, C replaced by A.
Protein change: p.Ser1090Tyr; replaces serine 1090 with tyrosine.
Molecular consequence: missense variant.
Genome position (GRCh38, 1-based): chr16:2,079,413, C>A. VCF-style: chr16-2079413-C-A. GRCh37 (hg19) VCF-style: chr16-2129414-C-A.
Other names: c.3137C>A, p.Ser1046Tyr (NM_001077183.3, NM_001370404.1); c.3269C>A, p.Ser1090Tyr (NM_001114382.3); c.3029C>A, p.Ser1010Tyr (NM_001318827.2); c.2993C>A, p.Ser998Tyr (NM_001318829.2); c.2537C>A, p.Ser846Tyr (NM_001318831.2); c.3170C>A, p.Ser1057Tyr (NM_001318832.2); c.3140C>A, p.Ser1047Tyr (NM_001363528.2, NM_001370405.1, NM_021055.3); short protein forms S1046Y, S1047Y, S1057Y, S846Y, S1010Y, S998Y, S1090Y.
Identifiers: ClinVar variation 661825 (VCV000661825.10), dbSNP rs1596384471, ClinGen allele CA394286242.

ClinVar aggregate classification (germline): Uncertain significance (1 of 4 stars; one submission).

Conditions:
Tuberous sclerosis 2 (TSC2). Identifiers: Orphanet 805, MedGen C1860707, MONDO:0013199, OMIM 613254.

Submission:

Labcorp Genetics (formerly Invitae), Labcorp
Classification: Uncertain significance for Tuberous sclerosis 2. Last evaluated: 2019-09-10. Review status: criteria provided, single submitter. Criteria: Invitae Variant Classification Sherloc (09022015). Collection method: clinical testing. Allele origin: germline.
Comment: This variant has not been reported in the literature in individuals with TSC2-related disease. This variant is not present in population databases (ExAC no frequency). This sequence change replaces serine with tyrosine at codon 1090 of the TSC2 protein (p.Ser1090Tyr). The serine residue is weakly conserved and there is a large physicochemical difference between serine and tyrosine. Algorithms developed to predict the effect of missense changes on protein structure and function (SIFT, PolyPhen-2, Align-GVGD) all suggest that this variant is likely to be tolerated, but these predictions have not been confirmed by published functional studies and their clinical significance is uncertain. In summary, the available evidence is currently insufficient to determine the role of this variant in disease. Therefore, it has been classified as a Variant of Uncertain Significance.